The following is an entry in ClinVar:

NM_001003722.2(GLE1):c.1964+2T>G

Genes: GLE1 (GLE1 RNA export mediator; plus strand), LOC101929270 (uncharacterized LOC101929270; minus strand). Cytogenetic location: 9q34.11.
Variant type: single nucleotide variant.
Coding change: c.1964+2T>G on transcript NM_001003722.2 (MANE Select); the canonical splice donor site of the intron after coding-DNA position 1964, T replaced by G.
Molecular consequence: splice donor variant. On other transcripts: missense variant (1).
Genome position (GRCh38, 1-based): chr9:128,539,700, T>G. VCF-style: chr9-128539700-T-G. GRCh37 (hg19) VCF-style: chr9-131301979-T-G.
Other names: c.1966T>G, p.Tyr656Asp (NM_001499.2); c.1991+2T>G (NM_001411013.1); short protein forms Y656D.
Identifiers: ClinVar variation 2917383 (VCV002917383.3), dbSNP rs773083669, ClinGen allele CA375045944.

ClinVar aggregate classification (germline): Likely pathogenic (1 of 4 stars; one submission).

gnomAD v4.1: 1 of 1,613,558 alleles (0.000062%); highest among the groups gnomAD compares: Non-Finnish European, 0.000085%; no homozygotes.

Submission:

Labcorp Genetics (formerly Invitae), Labcorp
Classification: Likely pathogenic. Last evaluated: 2024-01-02. Review status: criteria provided, single submitter. Criteria: Invitae Variant Classification Sherloc (09022015). Collection method: clinical testing. Allele origin: germline.
Comment: This sequence change affects a donor splice site in intron 14 of the GLE1 gene. It is expected to disrupt RNA splicing. Variants that disrupt the donor or acceptor splice site typically lead to a loss of protein function (PMID: 16199547), and loss-of-function variants in GLE1 are known to be pathogenic (PMID: 18204449, 24243016, 27684565). This variant is not present in population databases (gnomAD no frequency). This variant has not been reported in the literature in individuals affected with GLE1-related conditions. Algorithms developed to predict the effect of sequence changes on RNA splicing suggest that this variant may disrupt the consensus splice site. In summary, the currently available evidence indicates that the variant is pathogenic, but additional data are needed to prove that conclusively. Therefore, this variant has been classified as Likely Pathogenic.

Literature cited by the submitters: PubMed 16199547; PubMed 18204449; PubMed 24243016; PubMed 27684565.